The following is an entry in ClinVar:

ClinVar aggregate classification (germline): Likely benign (1 of 4 stars; one submission).

Conditions:
Hereditary cancer-predisposing syndrome. Also called: Tumor predisposition; Hereditary Cancer Syndrome; Hereditary neoplastic syndrome; Neoplastic Syndromes, Hereditary. Identifiers: Orphanet 140162, MedGen C0027672, MeSH D009386, MONDO:0015356.

Submissions (2):

Color Diagnostics, LLC DBA Color Health
Classification: Likely benign for Hereditary cancer-predisposing syndrome. Last evaluated: 2019-02-25. Review status: criteria provided, single submitter. Criteria: ACMG Guidelines, 2015. Collection method: clinical testing. Allele origin: germline.

Brotman Baty Institute, University of Washington
No classification provided (evidence only). Condition: Breast-ovarian cancer, familial 1. Review status: no classification provided. Collection method: in vitro. Allele origin: not applicable. Functional consequence: functionally_normal. Not counted in ClinVar's aggregate classification.
ClinVar note: "not provided" was previously submitted as the classification for the variant. However, the classification appeared to be based only on an observation of functional data so it was converted to no classification on 2025-07-30.

NM_007294.4(BRCA1):c.5406+7A>T

Gene: BRCA1 (BRCA1 DNA repair associated; minus strand). Cytogenetic location: 17q21.31.
Variant type: single nucleotide variant.
Coding change: c.5406+7A>T on transcript NM_007294.4 (MANE Select); 7 bases into the intron after coding-DNA position 5406, A replaced by T.
Molecular consequence: intron variant.
Genome position (GRCh38, 1-based): chr17:43,049,114, T>A on the plus strand (A>T on the coding strand, the complement: BRCA1 is on the minus strand). VCF-style: chr17-43049114-T-A. GRCh37 (hg19) VCF-style: chr17-41201131-T-A.
Other names: c.5259+7A>T (NM_001407853.1, NM_001407843.1, NM_001407847.1 and 12 more transcripts); c.1830+7A>T (NM_001408502.1, NM_001408504.1, NM_001408503.1); c.5070+7A>T (NM_001407951.1, NM_001407954.1, NM_001407952.1 and 3 more transcripts); c.5073+7A>T (NM_001407946.1, NM_001407948.1, NM_001407947.1 and 1 more transcripts); c.1884+7A>T (NM_001408489.1, NM_001408482.1, NM_001408484.1 and 5 more transcripts); c.1887+7A>T (NM_001408479.1, NM_001408478.1, NM_001408480.1); c.5193+7A>T (NM_001407910.1, NM_001407904.1, NM_001407896.1 and 12 more transcripts); c.5196+7A>T (NM_001407884.1, NM_001407879.1, NM_001407882.1 and 5 more transcripts); and 84 more.
Identifiers: ClinVar variation 865716 (VCV000865716.5), dbSNP rs397509280, ClinGen allele CA913187711.